The following is an entry in ClinVar:

NM_001195518.2(MICU1):c.934-1G>A

Gene: MICU1 (mitochondrial calcium uptake 1; minus strand). Cytogenetic location: 10q22.1.
Variant type: single nucleotide variant.
Coding change: c.934-1G>A on transcript NM_001195518.2 (MANE Select); the canonical splice acceptor site of the intron before coding-DNA position 934, G replaced by A.
Molecular consequence: splice acceptor variant.
Genome position (GRCh38, 1-based): chr10:72,423,372, C>T on the plus strand (G>A on the coding strand, the complement: MICU1 is on the minus strand). VCF-style: chr10-72423372-C-T. GRCh37 (hg19) VCF-style: chr10-74183130-C-T.
Other names: c.601-1G>A (NM_001441228.1); c.835-1G>A (NM_001441226.1); c.538-1G>A (NM_001441229.1); c.811-1G>A (NM_001441227.1); c.250-1G>A (NM_001441233.1, NM_001441232.1); c.922-1G>A (NM_001441224.1); c.934-1G>A (NM_001441225.1, NM_001441223.1, NM_001441220.1 and 2 more transcripts); c.340-1G>A (NM_001441231.1, NM_001195519.2); and 5 more.
Identifiers: ClinVar variation 4751258 (VCV004751258.1).

ClinVar aggregate classification (germline): Likely pathogenic (1 of 4 stars; one submission).

gnomAD v4.1: 3 of 1,613,102 alleles (0.00019%); highest among the groups gnomAD compares: Non-Finnish European, 0.00025%; no homozygotes.

Submission:

Labcorp Genetics (formerly Invitae), Labcorp
Classification: Likely pathogenic. Last evaluated: 2025-05-11. Review status: criteria provided, single submitter. Criteria: Invitae Variant Classification Sherloc (09022015). Collection method: clinical testing. Allele origin: germline.
Comment: This sequence change affects an acceptor splice site in intron 9 of the MICU1 gene. It is expected to disrupt RNA splicing. Variants that disrupt the donor or acceptor splice site typically lead to a loss of protein function (PMID: 16199547), and loss-of-function variants in MICU1 are known to be pathogenic (PMID: 24336167). This variant is present in population databases (rs763495239, gnomAD 0.0009%). This variant has not been reported in the literature in individuals affected with MICU1-related conditions. Algorithms developed to predict the effect of sequence changes on RNA splicing suggest that this variant may disrupt the consensus splice site. In summary, the currently available evidence indicates that the variant is pathogenic, but additional data are needed to prove that conclusively. Therefore, this variant has been classified as Likely Pathogenic.

Literature cited by the submitters: PubMed 16199547; PubMed 24336167.